The following is an entry in ClinVar:

ClinVar aggregate classification (germline): Likely pathogenic (1 of 4 stars; one submission).

Submission:

GeneDx
Classification: Likely pathogenic. Last evaluated: 2018-05-24. Review status: criteria provided, single submitter. Criteria: GeneDx Variant Classification (06012015). Collection method: clinical testing. Allele origin: germline. Affected: yes.
Comment: The W28704X likely pathogenic variant in the TTN gene has not been reported as a pathogenic or benign to our knowledge. W28704X is predicted to cause loss of normal protein function either due to production of an abnormal, prematurely truncated protein, or by absence of protein product due to nonsense mediated mRNA decay. Other truncating TTN variants have been reported in approximately 3% of control alleles (Herman et al., 2012). However, W28704X is located in the A-band region of titin, where the majority of truncating pathogenic variants associated with DCM have been reported (Herman et al., 2012). Furthermore, W28704X is not observed in large population cohorts (Lek et al., 2016).

NM_001267550.2(TTN):c.91035G>A (p.Trp30345Ter)

Genes: TTN (titin; minus strand), TTN-AS1 (TTN antisense RNA 1; plus strand). Cytogenetic location: 2q31.2.
Variant type: single nucleotide variant.
Coding change: c.91035G>A on transcript NM_001267550.2 (MANE Select); coding-DNA position 91035, G replaced by A.
Protein change: p.Trp30345Ter; replaces tryptophan 30345 with a stop codon.
Molecular consequence: nonsense.
Genome position (GRCh38, 1-based): chr2:178,551,865, C>T on the plus strand (G>A on the coding strand, the complement: TTN is on the minus strand). VCF-style: chr2-178551865-C-T. GRCh37 (hg19) VCF-style: chr2-179416592-C-T.
Other names: c.86112G>A, p.Trp28704Ter (NM_001256850.1); c.63840G>A, p.Trp21280Ter (NM_003319.4); c.83331G>A, p.Trp27777Ter (NM_133378.4); c.64215G>A, p.Trp21405Ter (NM_133432.3); c.64416G>A, p.Trp21472Ter (NM_133437.4); short protein forms W28704*, W30345*, W27777*, W21472*, W21280*, W21405*.
Identifiers: ClinVar variation 620221 (VCV000620221.1), dbSNP rs1559200525, ClinGen allele CA349504361.